The following is an entry in ClinVar:

ClinVar aggregate classification (germline): Pathogenic. Review status: criteria provided, multiple submitters, no conflicts (2 of 4 stars). 14 submissions from 14 submitters: Pathogenic (14). Last evaluated 2025-11-18.

Conditions:
Familial adenomatous polyposis 2. Also called: COLORECTAL ADENOMATOUS POLYPOSIS, AUTOSOMAL RECESSIVE; ADENOMAS, MULTIPLE COLORECTAL, AUTOSOMAL RECESSIVE; MUTYH-associated polyposis; MUTYH-related attenuated familial adenomatous polyposis; FAP type 2; MYH-associated polyposis. Identifiers: Orphanet 220460, Orphanet 247798, MedGen C3272841, MONDO:0012041, OMIM 608456.
Gastric cancer. Also called: Stomach cancer; Malignant tumor of stomach. Identifiers: MedGen C0024623, MeSH D013274, MONDO:0001056, OMIM 613659, HP:0012126.
Hereditary cancer-predisposing syndrome. Also called: Neoplastic Syndromes, Hereditary; Hereditary Cancer Syndrome; Tumor predisposition; Hereditary neoplastic syndrome. Identifiers: Orphanet 140162, MedGen C0027672, MeSH D009386, MONDO:0015356.

Allele frequency attached by ClinVar (database versions not stated): ExAC 0.00002; gnomAD 0.00004 and 0.00003; gnomAD exomes 0.00001 and below 0.00001; TOPMed 0.00002; ESP Exome Variant Server 0.00008.

Submissions 1 to 10 of 14:

Labcorp Genetics (formerly Invitae), Labcorp
Classification: Pathogenic for Familial adenomatous polyposis 2. Last evaluated: 2025-11-18. Review status: criteria provided, single submitter. Criteria: Invitae Variant Classification Sherloc (09022015). Collection method: clinical testing. Allele origin: germline.
Comment: This sequence change creates a premature translational stop signal (p.Arg97*) in the MUTYH gene. It is expected to result in an absent or disrupted protein product. Loss-of-function variants in MUTYH are known to be pathogenic (PMID: 18534194, 20663686). This variant is present in population databases (rs138775799, gnomAD 0.006%). This premature translational stop signal has been observed in individual(s) with clinical features of MUTYH-associated polyposis (PMID: 12606733, 17949294, 19732775, 19793053, 20618354). This variant is also known as R83X and R69X. ClinVar contains an entry for this variant (Variation ID: 140827). RNA analysis performed to evaluate the impact of this premature translational stop signal on mRNA splicing indicates it does not significantly alter splicing (internal data). For these reasons, this variant has been classified as Pathogenic.

Institute for Biomarker Research, Medical Diagnostic Laboratories, L.L.C.
Classification: Pathogenic for Hereditary cancer-predisposing syndrome. Last evaluated: 2025-09-10. Review status: criteria provided, single submitter. Criteria: ACMG Guidelines, 2015. Collection method: clinical testing. Allele origin: germline.
Comment: The stop gained NM_001128425.2(MUTYH):c.289C>T (p.Arg97Ter) has been reported to ClinVar as Pathogenic with a status of (2 stars) criteria provided, multiple submitters, no conflicts (Variation ID 140827 as of 2025-09-04). This variant is predicted to cause loss of normal protein function through protein truncation. This variant is a stop gained variant which occurs in an exon of MUTYH upstream of where nonsense mediated decay is predicted to occur. This variant has been previously classified as pathogenic, indicating that the region is critical to protein function. The p.Arg97Ter variant is a loss of function variant in the gene MUTYH, which is intolerant of Loss of Function variants, as indicated by the presence of existing pathogenic loss of function variant NP_001121897.1:p.P3Hfs*41 and 215 others. For these reasons, this variant has been classified as Pathogenic.

Women's Health and Genetics/Laboratory Corporation of America, LabCorp
Classification: Pathogenic for Familial adenomatous polyposis 2. Last evaluated: 2025-05-30. Review status: criteria provided, single submitter. Criteria: LabCorp Variant Classification Summary - May 2015. Collection method: clinical testing. Allele origin: germline.
Comment: Variant summary: MUTYH c.289C>T (p.Arg97X) results in a premature termination codon, predicted to cause a truncation of the encoded protein or absence of the protein due to nonsense mediated decay, which are commonly known mechanisms for disease. The variant allele was found at a frequency of 1.2e-05 in 251934 control chromosomes. c.289C>T has been observed in multiple individuals affected with MUTYH-Associated Polyposis (e.g. Sieber_2003, Vogt_2009, Jones_2009, Olschwang_2007, Aretz_2006). These data indicate that the variant is very likely to be associated with disease. At least one publication reports experimental evidence evaluating an impact on protein function and found the variant to have severely defective DNA glycosylase activity (e.g. Goto_2010). The following publications have been ascertained in the context of this evaluation (PMID: 18301448, 16557584, 17949294, 19032956, 19732775, 20848659, 12606733, 19394335). ClinVar contains an entry for this variant (Variation ID: 140827). Based on the evidence outlined above, the variant was classified as pathogenic for MUTYH-Associated Polyposis and Hereditary Breast And Ovarian Cancer Syndrome.

Color Diagnostics, LLC DBA Color Health
Classification: Pathogenic for Hereditary cancer-predisposing syndrome. Last evaluated: 2025-05-20. Review status: criteria provided, single submitter. Criteria: ACMG Guidelines, 2015. Collection method: clinical testing. Allele origin: germline.
Comment: This variant changes 1 nucleotide in exon 3 of the MUTYH gene, creating a premature translation stop signal. This variant is expected to result in an absent or non-functional protein product. This variant has been reported as homozygous in an individual affected with polyposis and colorectal cancer (PMID: 19793053referred to as R83X in this article) and as compound heterozygous with a known pathogenic variant p.Tyr179Cys in an individual affected with polyposis (PMID: 20618354). This variant has been identified in 4/282870 chromosomes in the general population by the Genome Aggregation Database (gnomAD). Loss of MUTYH function is a known mechanism of disease. Based on the available evidence, this variant is classified as Pathogenic.

Department of Pathology and Laboratory Medicine, Sinai Health System
Classification: Pathogenic for Familial adenomatous polyposis 2; Gastric cancer. Last evaluated: 2024-12-31. Review status: criteria provided, single submitter. Criteria: ACMG Guidelines, 2015. Collection method: clinical testing. Allele origin: germline.

Ambry Genetics
Classification: Pathogenic for Hereditary cancer-predisposing syndrome. Last evaluated: 2024-04-03. Review status: criteria provided, single submitter. Criteria: Ambry Variant Classification Scheme 2023. Collection method: clinical testing. Allele origin: germline.
Comment: The p.R97* pathogenic mutation (also known as c.289C>T), located in coding exon 3 of the MUTYH gene, results from a C to T substitution at nucleotide position 289. This changes the amino acid from an arginine to a stop codon within coding exon 3. This mutation has been previously reported in individuals with MUTYH-associated polyposis (MAP) (Sieber OM et al. N. Engl. J. Med. 2003 Feb;348(9):791-9; Vogt S et al. Gastroenterology. 2009 Dec;137(6):1976-85). Of note, this alteration is also designated as R83X and c.247C>T in published literature. In addition to the clinical data presented in the literature, this alteration is expected to result in loss of function by premature protein truncation or nonsense-mediated mRNA decay. As such, this alteration is interpreted as a disease-causing mutation.

Baylor Genetics
Classification: Pathogenic for Familial adenomatous polyposis 2. Last evaluated: 2024-01-22. Review status: criteria provided, single submitter. Criteria: ACMG Guidelines, 2015. Collection method: clinical testing. Allele origin: unknown.

All of Us Research Program, National Institutes of Health
Classification: Pathogenic for Familial adenomatous polyposis 2. Last evaluated: 2023-10-02. Review status: criteria provided, single submitter. Criteria: ACMG Guidelines, 2015. Collection method: clinical testing. Allele origin: germline. Inheritance: Autosomal recessive inheritance. Observed: 6 variant alleles, 6 heterozygotes.
Comment: This variant changes 1 nucleotide in exon 3 of the MUTYH gene, creating a premature translation stop signal. This variant is expected to result in an absent or non-functional protein product. This variant has been reported as homozygous in an individual affected with polyposis and colorectal cancer (PMID: 19793053; referred to as R83X in this article) and as compound heterozygous with a known pathogenic variant p.Tyr179Cys in an individual affected with polyposis (PMID: 20618354). This variant has been identified in 4/282870 chromosomes in the general population by the Genome Aggregation Database (gnomAD). Loss of MUTYH function is a known mechanism of disease. Based on the available evidence, this variant is classified as Pathogenic.

This study involves interpretation of variants in research participants for the purpose of population health screening. Participant phenotype was not available at the time of variant classification. Additional details can be found in publication PMID: 35346344, PMCID: PMC8962531

GeneDx
Classification: Pathogenic. Last evaluated: 2022-05-03. Review status: criteria provided, single submitter. Criteria: GeneDx Variant Classification Process June 2021. Collection method: clinical testing. Allele origin: germline. Affected: yes.
Comment: Nonsense variant predicted to result in protein truncation or nonsense mediated decay in a gene for which loss-of-function is a known mechanism of disease; Published functional studies demonstrate a damaging effect: impaired glycosylase activity (Goto 2010); Not observed at significant frequency in large population cohorts (gnomAD); This variant is associated with the following publications: (PMID: 19032956, 16134146, 12606733, 19793053, 17949294, 16557584, 18301448, 19732775, 25525159, 20848659, 23605219, 20618354, 19394335, 19414147, 19725997, 21235684, 30604180, 31589614, 32029870, 30787465)

MGZ Medical Genetics Center
Classification: Pathogenic for Familial adenomatous polyposis 2. Last evaluated: 2022-03-22. Review status: criteria provided, single submitter. Criteria: ACMG Guidelines, 2015. Collection method: clinical testing. Allele origin: germline. Affected: yes. Observed: 1 variant allele.
Comment: ACMG criteria applied: PVS1, PS4_MOD, PS3_SUP, PM2_SUP, PM3_SUP

NM_001048174.2(MUTYH):c.205C>T (p.Arg69Ter)

Gene: MUTYH (mutY DNA glycosylase; minus strand). Cytogenetic location: 1p34.1.
Variant type: single nucleotide variant.
Coding change: c.205C>T on transcript NM_001048174.2 (MANE Select); coding-DNA position 205, C replaced by T.
Protein change: p.Arg69Ter; replaces arginine 69 with a stop codon.
Molecular consequence: nonsense. On other transcripts: 5 prime UTR variant (4), non-coding transcript variant (2).
Genome position (GRCh38, 1-based): chr1:45,333,472, G>A on the plus strand (C>T on the coding strand, the complement: MUTYH is on the minus strand). VCF-style: chr1-45333472-G-A. GRCh37 (hg19) VCF-style: chr1-45799144-G-A.
Other names: c.205C>T, p.Arg69Ter (NM_001048171.2, NM_001048173.2, NM_001293195.2); c.208C>T, p.Arg70Ter (NM_001048172.2); c.289C>T, p.Arg97Ter (NM_001128425.2); c.250C>T, p.Arg84Ter (NM_001293190.2); c.238C>T, p.Arg80Ter (NM_001293191.2); c.-72C>T (NM_001293192.2, NM_001293196.2); c.-67C>T (NM_001350650.2, NM_001350651.2); c.280C>T, p.Arg94Ter (NM_012222.3); short protein forms R97*, R83*, R69*, R70*, R80*, R94*, R84*.
Identifiers: ClinVar variation 140827 (VCV000140827.41), dbSNP rs138775799, ClinGen allele CA013297.